The following is an entry in ClinVar:

ClinVar aggregate classification (germline): Uncertain significance. Review status: criteria provided, multiple submitters, no conflicts (2 of 4 stars). 2 submissions from 2 submitters: Uncertain significance (2). Last evaluated 2024-05-17.

Conditions:
Cardiovascular phenotype. Identifiers: MedGen CN230736.

Submissions (2):

Ambry Genetics
Classification: Uncertain significance for Cardiovascular phenotype. Last evaluated: 2024-05-17. Review status: criteria provided, single submitter. Criteria: Ambry Variant Classification Scheme 2023. Collection method: clinical testing. Allele origin: germline.
Comment: The p.A83D variant (also known as c.248C>A), located in coding exon 3 of the TPM1 gene, results from a C to A substitution at nucleotide position 248. The alanine at codon 83 is replaced by aspartic acid, an amino acid with dissimilar properties. This alteration has been reported in association with hypertrophic cardiomyopathy (HCM) (Mademont-Soler I et al. PLoS One, 2017 Aug;12:e0181465). This amino acid position is not well conserved in available vertebrate species. In addition, the in silico prediction for this alteration is inconclusive. Based on the available evidence, the clinical significance of this variant remains unclear.

GeneDx
Classification: Uncertain significance. Last evaluated: 2013-01-02. Review status: criteria provided, single submitter. Criteria: GeneDx Variant Classification (06012015). Collection method: clinical testing. Allele origin: germline. Affected: yes.
Comment: The Ala83Asp variant in the TPM1 gene has not been reported as a disease-causing mutation or as a benign polymorphism to our knowledge. Ala83Asp results in a non-conservative amino acid substitution of a non-polar Alanine with a negatively charged Aspartic acid at a position that is conserved in mammals. A mutation in a nearby codon (Ile92Thr) has been reported in association with cardiomyopathy, supporting the functional importance of this region of the protein. The NHLBI ESP Exome Variant Server reports Ala83Asp was not observed in approximately 6,500 samples from individuals of European and African American backgrounds, indicating it is not a common benign variant in these populations. With the clinical and molecular information available at this time, we cannot definitively determine if Ala83Asp is a disease-causing mutation or a rare benign variant. The variant is found in HCM panel(s).

Literature cited by the submitters: PubMed 28771489 (cited by Ambry Genetics).

NM_001018005.2(TPM1):c.248C>A (p.Ala83Asp)

Gene: TPM1 (tropomyosin 1; plus strand). Cytogenetic location: 15q22.2.
Variant type: single nucleotide variant.
Coding change: c.248C>A on transcript NM_001018005.2 (MANE Select); coding-DNA position 248, C replaced by A.
Protein change: p.Ala83Asp; replaces alanine 83 with aspartic acid.
Molecular consequence: missense variant.
Genome position (GRCh38, 1-based): chr15:63,056,992, C>A. VCF-style: chr15-63056992-C-A. GRCh37 (hg19) VCF-style: chr15-63349191-C-A.
Other names: p.A83D:GCC>GAC; c.248C>A, p.Ala83Asp (NM_000366.6, NM_001018004.2, NM_001018006.2 and 6 more transcripts); c.140C>A, p.Ala47Asp (NM_001018008.2, NM_001301289.2, NM_001330344.2 and 5 more transcripts); c.374C>A, p.Ala125Asp (NM_001365778.1); short protein forms A83D, A125D, A47D.
Identifiers: ClinVar variation 181657 (VCV000181657.3), dbSNP rs730881130, ClinGen allele CA018778.